The following is an entry in ClinVar:

ClinVar aggregate classification (germline): Uncertain significance (1 of 4 stars; one submission).

Submission:

Ambry Genetics
Classification: Uncertain significance. Last evaluated: 2023-03-04. Review status: criteria provided, single submitter. Criteria: Ambry Variant Classification Scheme 2023. Collection method: clinical testing. Allele origin: germline.
Comment: The p.N132D variant (also known as c.394A>G), located in coding exon 4 of the RINT1 gene, results from an A to G substitution at nucleotide position 394. The asparagine at codon 132 is replaced by aspartic acid, an amino acid with highly similar properties. This amino acid position is conserved. In addition, this alteration is predicted to be tolerated by in silico analysis. Since supporting evidence is limited at this time, the clinical significance of this alteration remains unclear.

NM_021930.6(RINT1):c.394A>G (p.Asn132Asp)

Gene: RINT1 (RAD50 interactor 1; plus strand). Cytogenetic location: 7q22.3.
Variant type: single nucleotide variant.
Coding change: c.394A>G on transcript NM_021930.6 (MANE Select); coding-DNA position 394, A replaced by G.
Protein change: p.Asn132Asp; replaces asparagine 132 with aspartic acid.
Molecular consequence: missense variant. On other transcripts: 5 prime UTR variant (3), non-coding transcript variant (1).
Genome position (GRCh38, 1-based): chr7:105,542,528, A>G. VCF-style: chr7-105542528-A-G. GRCh37 (hg19) VCF-style: chr7-105182975-A-G.
Other names: c.160A>G, p.Asn54Asp (NM_001346599.2); c.-626A>G (NM_001346600.2); c.-529A>G (NM_001346601.2); c.-149A>G (NM_001346603.2); short protein forms N54D, N132D.
Identifiers: ClinVar variation 2448435 (VCV002448435.2), dbSNP rs2485112704, ClinGen allele CA368803392.